The following is an entry in ClinVar:

NM_003079.5(SMARCE1):c.454_455delinsT (p.Ala152fs)

Gene: SMARCE1 (SWI/SNF related BAF chromatin remodeling complex subunit E1; minus strand). Cytogenetic location: 17q21.2.
Variant type: Indel.
Coding change: c.454_455delinsT on transcript NM_003079.5 (MANE Select); coding-DNA positions 454 to 455, GC replaced by T.
Protein change: p.Ala152fs; shifts the reading frame from alanine 152.
Molecular consequence: frameshift variant.
Genome position (GRCh38, 1-based): chr17:40,636,017-40,636,018, GC replaced by A on the plus strand (GC replaced by T on the coding strand, the reverse complement: SMARCE1 is on the minus strand). VCF-style: chr17-40636017-GC-A. GRCh37 (hg19) VCF-style: chr17-38792269-GC-A.
Other names: short protein forms A152fs.
Identifiers: ClinVar variation 532251 (VCV000532251.5), dbSNP rs1555605750, ClinGen allele CA658798826.

ClinVar aggregate classification (germline): Pathogenic (1 of 4 stars; one submission).

Conditions:
Familial meningioma. Also called: Meningioma, familial, susceptibility to. Identifiers: Orphanet 263662, MedGen C3551915, MONDO:0011789, OMIM 607174.

Submission:

Labcorp Genetics (formerly Invitae), Labcorp
Classification: Pathogenic for Familial meningioma. Last evaluated: 2018-01-24. Review status: criteria provided, single submitter. Criteria: Invitae Variant Classification Sherloc (09022015). Collection method: clinical testing. Allele origin: germline.
Comment: For these reasons, this variant has been classified as Pathogenic. Loss-of-function variants in SMARCE1 are known to be pathogenic (PMID: 23377182). This variant has not been reported in the literature in individuals with SMARCE1-related disease. This variant is not present in population databases (ExAC no frequency). This sequence change creates a premature translational stop signal (p.Ala152Phefs*2) in the SMARCE1 gene. It is expected to result in an absent or disrupted protein product.

Literature cited by the submitters: PubMed 23377182.